The following is an entry in ClinVar:

ClinVar aggregate classification (germline): Conflicting classifications of pathogenicity. Review status: criteria provided, conflicting classifications (1 of 4 stars). 3 submissions from 3 submitters: Uncertain significance (1); Likely benign (1). 1 of the submissions does not count toward it. Last evaluated 2024-05-14.

Conditions:
Inborn genetic diseases. Identifiers: MedGen C0950123, MeSH D030342.
Retinal dystrophy. Also called: Inherited retinal dystrophy. Identifiers: Orphanet 71862, MedGen C0854723, MeSH D058499, MONDO:0019118, HP:0000556.

Allele frequency attached by ClinVar (database versions not stated): gnomAD exomes 0.00002 and 0.00011; gnomAD 0.00004; TOPMed 0.00006; ExAC 0.00013.
gnomAD v4.1: 44 of 1,613,298 alleles (0.0027%); highest among the groups gnomAD compares: East Asian, 0.06%; no homozygotes.

Submissions (3):

Ambry Genetics
Classification: Likely benign for Inborn genetic diseases. Last evaluated: 2024-05-14. Review status: criteria provided, single submitter. Criteria: Ambry Variant Classification Scheme 2023. Collection method: clinical testing. Allele origin: germline.

Labcorp Genetics (formerly Invitae), Labcorp
Classification: Uncertain significance. Last evaluated: 2024-01-04. Review status: criteria provided, single submitter. Criteria: Invitae Variant Classification Sherloc (09022015). Collection method: clinical testing. Allele origin: germline.
Comment: This sequence change replaces threonine, which is neutral and polar, with isoleucine, which is neutral and non-polar, at codon 1290 of the TUBGCP6 protein (p.Thr1290Ile). This variant is present in population databases (rs772567265, gnomAD 0.1%). This variant has not been reported in the literature in individuals affected with TUBGCP6-related conditions. ClinVar contains an entry for this variant (Variation ID: 1465590). An algorithm developed to predict the effect of missense changes on protein structure and function (PolyPhen-2) suggests that this variant¬†is likely to be tolerated. In summary, the available evidence is currently insufficient to determine the role of this variant in disease. Therefore, it has been classified as a Variant of Uncertain Significance.

Institute of Human Genetics, Univ. Regensburg, Univ. Regensburg
Classification: Uncertain significance for Retinal dystrophy. Last evaluated: 2023-01-01. Review status: no assertion criteria provided. Criteria: ACMG Guidelines, 2015. Collection method: clinical testing. Allele origin: germline. Affected: yes. Not counted in ClinVar's aggregate classification.

NM_020461.4(TUBGCP6):c.3869C>T (p.Thr1290Ile)

Gene: TUBGCP6 (tubulin gamma complex component 6; minus strand). Cytogenetic location: 22q13.33.
Variant type: single nucleotide variant.
Coding change: c.3869C>T on transcript NM_020461.4 (MANE Select); coding-DNA position 3869, C replaced by T.
Protein change: p.Thr1290Ile; replaces threonine 1290 with isoleucine.
Molecular consequence: missense variant.
Genome position (GRCh38, 1-based): chr22:50,220,490, G>A on the plus strand (C>T on the coding strand, the complement: TUBGCP6 is on the minus strand). VCF-style: chr22-50220490-G-A. GRCh37 (hg19) VCF-style: chr22-50658919-G-A.
Other names: c.3869C>T (NM_020461.3); short protein forms T1290I.
Identifiers: ClinVar variation 1465590 (VCV001465590.7), dbSNP rs772567265, ClinGen allele CA10307798.